The following is an entry in ClinVar:

ClinVar aggregate classification (germline): Benign. Review status: criteria provided, multiple submitters, no conflicts (2 of 4 stars). 3 submissions from 3 submitters: Benign (2). 1 of the submissions does not count toward it. Last evaluated 2026-02-02.

Conditions:
FBN3-related disorder. Also called: FBN3-related condition.

Allele frequency attached by ClinVar (database versions not stated): gnomAD exomes 0.00229 and 0.00586; ExAC 0.00695; gnomAD 0.02185 and 0.02341; 1000 Genomes Project 0.02216; 1000 Genomes Project 30x 0.02405; TOPMed 0.02462; ESP Exome Variant Server 0.02507.

Submissions (3):

Labcorp Genetics (formerly Invitae), Labcorp
Classification: Benign. Last evaluated: 2026-02-02. Review status: criteria provided, single submitter. Criteria: Invitae Variant Classification Sherloc (09022015). Collection method: clinical testing. Allele origin: germline.

Breakthrough Genomics
Classification: Benign. Review status: criteria provided, single submitter. Criteria: ACMG Guidelines, 2015. Collection method: not provided. Allele origin: germline. Inheritance: Unknown mechanism. Affected: yes.

PreventionGenetics, part of Exact Sciences
Classification: Benign for FBN3-related condition. Last evaluated: 2019-11-16. Review status: no assertion criteria provided. Collection method: clinical testing. Allele origin: germline. Not counted in ClinVar's aggregate classification.
Comment: This variant is classified as benign based on ACMG/AMP sequence variant interpretation guidelines (Richards et al. 2015 PMID: 25741868, with internal and published modifications).

NM_032447.5(FBN3):c.5148G>A (p.Thr1716=)

Gene: FBN3 (fibrillin 3; minus strand). Cytogenetic location: 19p13.2.
Variant type: single nucleotide variant.
Coding change: c.5148G>A on transcript NM_032447.5 (MANE Select); coding-DNA position 5148, G replaced by A.
Protein change: p.Thr1716=; no amino-acid change (threonine 1716 retained).
Molecular consequence: synonymous variant.
Genome position (GRCh38, 1-based): chr19:8,100,914, C>T on the plus strand (G>A on the coding strand, the complement: FBN3 is on the minus strand). VCF-style: chr19-8100914-C-T. GRCh37 (hg19) VCF-style: chr19-8165798-C-T.
Other names: c.5148G>A (NM_001321431.1); c.5148G>A, p.Thr1716= (NM_001321431.2).
Identifiers: ClinVar variation 788014 (VCV000788014.13), dbSNP rs35534815, ClinGen allele CA9151780.